The following is an entry in ClinVar:

ClinVar aggregate classification (germline): Uncertain significance (1 of 4 stars; one submission).

Submission:

Labcorp Genetics (formerly Invitae), Labcorp
Classification: Uncertain significance. Last evaluated: 2024-01-19. Review status: criteria provided, single submitter. Criteria: Invitae Variant Classification Sherloc (09022015). Collection method: clinical testing. Allele origin: germline.
Comment: This sequence change replaces glutamine, which is neutral and polar, with leucine, which is neutral and non-polar, at codon 573 of the DUOX2 protein (p.Gln573Leu). This variant is not present in population databases (gnomAD no frequency). This variant has not been reported in the literature in individuals affected with DUOX2-related conditions. Advanced modeling of protein sequence and biophysical properties (such as structural, functional, and spatial information, amino acid conservation, physicochemical variation, residue mobility, and thermodynamic stability) performed at Invitae indicates that this missense variant is expected to disrupt DUOX2 protein function with a positive predictive value of 80%. In summary, the available evidence is currently insufficient to determine the role of this variant in disease. Therefore, it has been classified as a Variant of Uncertain Significance.

NM_001363711.2(DUOX2):c.1718A>T (p.Gln573Leu)

Gene: DUOX2 (dual oxidase 2; minus strand). Cytogenetic location: 15q21.1.
Variant type: single nucleotide variant.
Coding change: c.1718A>T on transcript NM_001363711.2 (MANE Select); coding-DNA position 1718, A replaced by T.
Protein change: p.Gln573Leu; replaces glutamine 573 with leucine.
Molecular consequence: missense variant.
Genome position (GRCh38, 1-based): chr15:45,106,945, T>A on the plus strand (A>T on the coding strand, the complement: DUOX2 is on the minus strand). VCF-style: chr15-45106945-T-A. GRCh37 (hg19) VCF-style: chr15-45399143-T-A.
Other names: c.1718A>T, p.Gln573Leu (NM_014080.5); short protein forms Q573L.
Identifiers: ClinVar variation 2710199 (VCV002710199.3), dbSNP rs748027232, ClinGen allele CA392274413.